The following is an entry in ClinVar:

ClinVar aggregate classification (germline): Pathogenic (1 of 4 stars; one submission).

Conditions:
Neurofibromatosis, type 1 (NF1). Also called: VON RECKLINGHAUSEN DISEASE; Peripheral type neurofibromatosis; NEUROFIBROMATOSIS, TYPE I, SOMATIC; Neurofibromatosis, type I. Identifiers: Orphanet 636, MedGen C0027831, MONDO:0018975, OMIM 162200. Disease mechanism: loss of function.

Submission:

Labcorp Genetics (formerly Invitae), Labcorp
Classification: Pathogenic for Neurofibromatosis, type 1. Last evaluated: 2025-12-08. Review status: criteria provided, single submitter. Criteria: Invitae Variant Classification Sherloc (09022015). Collection method: clinical testing. Allele origin: germline.
Comment: This variant, c.4272_4274del, results in the deletion of 1 amino acid of the NF1 protein (p.Leu1425del), but otherwise preserves the integrity of the reading frame. This variant is not present in population databases (gnomAD no frequency). This variant has not been reported in the literature in individuals affected with NF1-related conditions. This variant disrupts a region of the NF1 protein in which other variant(s) (p.Leu1425Pro) have been determined to be pathogenic (PMID: 10607834, 10712197, 31730495). This suggests that this is a clinically significant region of the protein, and that variants that disrupt it are likely to be disease-causing. For these reasons, this variant has been classified as Pathogenic.

Literature cited by the submitters: PubMed 10607834; PubMed 10712197; PubMed 31730495.

NM_001042492.3(NF1):c.4335_4337del (p.Leu1446del)

Gene: NF1 (neurofibromin 1; plus strand). Cytogenetic location: 17q11.2.
Variant type: Deletion.
Coding change: c.4335_4337del on transcript NM_001042492.3 (MANE Select); coding-DNA positions 4335 to 4337, 3 bases deleted (ACT; older notation c.4335_4337delACT).
Protein change: p.Leu1446del; deletes leucine 1446.
Molecular consequence: inframe deletion.
Genome position (GRCh38, 1-based): chr17:31,259,034-31,259,036, ACT deleted; deleting any 3 consecutive bases within chr17:31,259,033-31,259,036 gives the same sequence; the c. name uses the placement nearest the transcript's 3' end. VCF-style (leftmost placement, unchanged base first): chr17-31259032-ATAC-A. GRCh37 (hg19) VCF-style: chr17-29586050-ATAC-A.
Other names: c.4272_4274del, p.Leu1425del (NM_000267.4); short protein forms L1425del, L1446del.
Identifiers: ClinVar variation 4732677 (VCV004732677.1).